The following is an entry in ClinVar:

NM_000271.5(NPC1):c.3203C>G (p.Thr1068Ser)

Gene: NPC1 (NPC intracellular cholesterol transporter 1; minus strand). Cytogenetic location: 18q11.2.
Variant type: single nucleotide variant.
Coding change: c.3203C>G on transcript NM_000271.5 (MANE Select); coding-DNA position 3203, C replaced by G.
Protein change: p.Thr1068Ser; replaces threonine 1068 with serine.
Molecular consequence: missense variant.
Genome position (GRCh38, 1-based): chr18:23,536,715, G>C on the plus strand (C>G on the coding strand, the complement: NPC1 is on the minus strand). VCF-style: chr18-23536715-G-C. GRCh37 (hg19) VCF-style: chr18-21116679-G-C.
Other names: short protein forms T1068S.
Identifiers: ClinVar variation 1409948 (VCV001409948.3), dbSNP rs754323286, ClinGen allele CA8912842.

ClinVar aggregate classification (germline): Uncertain significance (1 of 4 stars; one submission).

Conditions:
Niemann-Pick disease, type C1. Also called: NIEMANN-PICK DISEASE, VARIANT TYPE C1; NEUROVISCERAL STORAGE DISEASE WITH VERTICAL SUPRANUCLEAR OPHTHALMOPLEGIA; NIEMANN-PICK DISEASE WITH CHOLESTEROL ESTERIFICATION BLOCK; NIEMANN-PICK DISEASE WITHOUT SPHINGOMYELINASE DEFICIENCY; NIEMANN-PICK DISEASE, CHRONIC NEURONOPATHIC FORM. Identifiers: Orphanet 646, MedGen C3179455, MONDO:0009757, OMIM 257220.

gnomAD v4.1: 4 of 1,614,090 alleles (0.00025%); highest among the groups gnomAD compares: African/African-American, 0.0053%; no homozygotes.

Submission:

Labcorp Genetics (formerly Invitae), Labcorp
Classification: Uncertain significance for Niemann-Pick disease, type C1. Last evaluated: 2022-01-13. Review status: criteria provided, single submitter. Criteria: Invitae Variant Classification Sherloc (09022015). Collection method: clinical testing. Allele origin: germline.
Comment: This sequence change replaces threonine, which is neutral and polar, with serine, which is neutral and polar, at codon 1068 of the NPC1 protein (p.Thr1068Ser). This variant is present in population databases (rs754323286, gnomAD 0.007%). This variant has not been reported in the literature in individuals affected with NPC1-related conditions. Advanced modeling of protein sequence and biophysical properties (such as structural, functional, and spatial information, amino acid conservation, physicochemical variation, residue mobility, and thermodynamic stability) performed at Invitae indicates that this missense variant is not expected to disrupt NPC1 protein function. In summary, the available evidence is currently insufficient to determine the role of this variant in disease. Therefore, it has been classified as a Variant of Uncertain Significance.